The following is an entry in ClinVar:

ClinVar aggregate classification (germline): Likely benign (0 of 4 stars; one submission).

Conditions:
PREX2-related disorder. Also called: PREX2-related condition.

Allele frequency attached by ClinVar (database versions not stated): 1000 Genomes Project 30x 0.00109; TOPMed 0.00134; 1000 Genomes Project 0.00140; gnomAD 0.00149; ESP Exome Variant Server 0.00169; ExAC 0.00222.
gnomAD v4.1: 2,596 of 1,176,572 alleles (0.22%); highest among the groups gnomAD compares: Non-Finnish European, 0.27%; 8 homozygotes.

Submission:

PreventionGenetics, part of Exact Sciences
Classification: Likely benign for PREX2-related condition. Last evaluated: 2019-10-28. Review status: no assertion criteria provided. Collection method: clinical testing. Allele origin: germline.
Comment: This variant is classified as likely benign based on ACMG/AMP sequence variant interpretation guidelines (Richards et al. 2015 PMID: 25741868, with internal and published modifications).

NM_024870.4(PREX2):c.1340-10A>G

Gene: PREX2 (phosphatidylinositol-3,4,5-trisphosphate dependent Rac exchange factor 2; plus strand). Cytogenetic location: 8q13.2.
Variant type: single nucleotide variant.
Coding change: c.1340-10A>G on transcript NM_024870.4 (MANE Select); 10 bases into the intron before coding-DNA position 1340, A replaced by G.
Molecular consequence: intron variant.
Genome position (GRCh38, 1-based): chr8:68,069,023, A>G. VCF-style: chr8-68069023-A-G. GRCh37 (hg19) VCF-style: chr8-68981258-A-G.
Other names: c.1340-10A>G (NM_025170.6).
Identifiers: ClinVar variation 3042294 (VCV003042294.2), dbSNP rs143741795, ClinGen allele CA4773580.